The following is an entry in ClinVar:

ClinVar aggregate classification (germline): Uncertain significance. Review status: criteria provided, multiple submitters, no conflicts (2 of 4 stars). 2 submissions from 2 submitters: Uncertain significance (2). Last evaluated 2025-06-12.

Submissions (2):

Labcorp Genetics (formerly Invitae), Labcorp
Classification: Uncertain significance. Last evaluated: 2025-06-12. Review status: criteria provided, single submitter. Criteria: Invitae Variant Classification Sherloc (09022015). Collection method: clinical testing. Allele origin: germline.
Comment: This sequence change replaces tyrosine, which is neutral and polar, with cysteine, which is neutral and slightly polar, at codon 563 of the TMC1 protein (p.Tyr563Cys). This variant is not present in population databases (gnomAD no frequency). This variant has not been reported in the literature in individuals affected with TMC1-related conditions. ClinVar contains an entry for this variant (Variation ID: 1310995). Invitae Evidence Modeling of protein sequence and biophysical properties (such as structural, functional, and spatial information, amino acid conservation, physicochemical variation, residue mobility, and thermodynamic stability) indicates that this missense variant is not expected to disrupt TMC1 protein function with a negative predictive value of 80%. In summary, the available evidence is currently insufficient to determine the role of this variant in disease. Therefore, it has been classified as a Variant of Uncertain Significance.

GeneDx
Classification: Uncertain significance. Last evaluated: 2019-12-17. Review status: criteria provided, single submitter. Criteria: GeneDx Variant Classification Process June 2021. Collection method: clinical testing. Allele origin: germline. Affected: yes.
Comment: Not observed in large population cohorts (Lek et al., 2016); In silico analysis, which includes protein predictors and evolutionary conservation, supports that this variant does not alter protein structure/function; Has not been previously published as pathogenic or benign to our knowledge

NM_138691.3(TMC1):c.1688A>G (p.Tyr563Cys)

Gene: TMC1 (transmembrane channel like 1; plus strand). Cytogenetic location: 9q21.13.
Variant type: single nucleotide variant.
Coding change: c.1688A>G on transcript NM_138691.3 (MANE Select); coding-DNA position 1688, A replaced by G.
Protein change: p.Tyr563Cys; replaces tyrosine 563 with cysteine.
Molecular consequence: missense variant.
Genome position (GRCh38, 1-based): chr9:72,805,503, A>G. VCF-style: chr9-72805503-A-G. GRCh37 (hg19) VCF-style: chr9-75420419-A-G.
Other names: short protein forms Y563C.
Identifiers: ClinVar variation 1310995 (VCV001310995.5), dbSNP rs2118239557, ClinGen allele CA373667771.